The following is an entry in ClinVar:

NM_001211.6(BUB1B):c.2509C>A (p.Gln837Lys)

Gene: BUB1B (BUB1 mitotic checkpoint serine/threonine kinase B; plus strand). Cytogenetic location: 15q15.1.
Variant type: single nucleotide variant.
Coding change: c.2509C>A on transcript NM_001211.6 (MANE Select); coding-DNA position 2509, C replaced by A.
Protein change: p.Gln837Lys; replaces glutamine 837 with lysine.
Molecular consequence: missense variant.
Genome position (GRCh38, 1-based): chr15:40,212,622, C>A. VCF-style: chr15-40212622-C-A. GRCh37 (hg19) VCF-style: chr15-40504823-C-A.
Other names: c.2509C>A (NM_001211.5); short protein forms Q837K.
Identifiers: ClinVar variation 1484754 (VCV001484754.7), dbSNP rs2140907776, ClinGen allele CA391695505.

ClinVar aggregate classification (germline): Uncertain significance. Review status: criteria provided, multiple submitters, no conflicts (2 of 4 stars). 2 submissions from 2 submitters: Uncertain significance (2). Last evaluated 2025-09-28.

Conditions:
Mosaic variegated aneuploidy syndrome 1 (MVA1). Also called: Warburton-Anyane-Yeboa syndrome. Identifiers: Orphanet 1052, MedGen C1850343, MONDO:0009759, OMIM 257300.
Inborn genetic diseases. Identifiers: MedGen C0950123, MeSH D030342.

Submissions (2):

Ambry Genetics
Classification: Uncertain significance for Inborn genetic diseases. Last evaluated: 2025-09-28. Review status: criteria provided, single submitter. Criteria: Ambry Variant Classification Scheme 2023. Collection method: clinical testing. Allele origin: germline.

Labcorp Genetics (formerly Invitae), Labcorp
Classification: Uncertain significance for Mosaic variegated aneuploidy syndrome 1. Last evaluated: 2021-08-17. Review status: criteria provided, single submitter. Criteria: Invitae Variant Classification Sherloc (09022015). Collection method: clinical testing. Allele origin: germline.
Comment: This sequence change replaces glutamine with lysine at codon 837 of the BUB1B protein (p.Gln837Lys). The glutamine residue is moderately conserved and there is a small physicochemical difference between glutamine and lysine. This variant is not present in population databases (ExAC no frequency). This variant has not been reported in the literature in individuals affected with BUB1B-related conditions. Algorithms developed to predict the effect of missense changes on protein structure and function (SIFT, PolyPhen-2, Align-GVGD) all suggest that this variant is likely to be tolerated. In summary, the available evidence is currently insufficient to determine the role of this variant in disease. Therefore, it has been classified as a Variant of Uncertain Significance.